The following is an entry in ClinVar:

NM_000103.4(CYP19A1):c.1232A>G (p.Asn411Ser)

Genes: CYP19A1 (cytochrome P450 family 19 subfamily A member 1; minus strand), MIR4713HG (MIR4713 host gene; plus strand), PIRC66 (piwi-interacting RNA cluster 66; plus strand). Cytogenetic location: 15q21.2.
Variant type: single nucleotide variant.
Coding change: c.1232A>G on transcript NM_000103.4 (MANE Select); coding-DNA position 1232, A replaced by G.
Protein change: p.Asn411Ser; replaces asparagine 411 with serine.
Molecular consequence: missense variant.
Genome position (GRCh38, 1-based): chr15:51,212,351, T>C on the plus strand (A>G on the coding strand, the complement: CYP19A1 is on the minus strand). VCF-style: chr15-51212351-T-C. GRCh37 (hg19) VCF-style: chr15-51504548-T-C.
Other names: c.1232A>G, p.Asn411Ser (NM_001347248.1, NM_001347249.2, NM_001347250.2 and 7 more transcripts); c.1232A>G (NM_031226.2); short protein forms N411S.
Identifiers: ClinVar variation 2503834 (VCV002503834.5), dbSNP rs375990501, ClinGen allele CA7559840.
Genomic context (GRCh38, chr15:51,212,351, plus strand): 5'-CACACTCAGTTTTAAGGAAGGGCTCTTACATTCTTTGCAAAATTTTCAAGAGTAAATTCA[T>C]TGGGTTTGGGGAAAAACTCGAGTCTGTGCATCCTTCCAATATTCAGGATAATGTTTGTCC-3'
Protein context (NP_000094.2, residues 401-421): MHRLEFFPKP[Asn411Ser]EFTLENFAKN

ClinVar aggregate classification (germline): Conflicting classifications of pathogenicity. Review status: criteria provided, conflicting classifications (1 of 4 stars). 5 submissions from 5 submitters: Pathogenic (1); Likely pathogenic (2); Uncertain significance (2). Last evaluated 2025-12-02.

Conditions:
Aromatase deficiency. Also called: Increased aromatase activity; PSEUDOHERMAPHRODITISM, FEMALE, DUE TO PLACENTAL AROMATASE DEFICIENCY. Identifiers: Orphanet 91, MedGen C1960539, MONDO:0013301, OMIM 613546.
Aromatase excess syndrome (AEXS). Also called: AROMATASE ACTIVITY, INCREASED; GYNECOMASTIA, HEREDITARY; Familial gynecomastia, due to increased aromatase activity. Identifiers: Orphanet 178345, MedGen C1970109, MONDO:0007690, OMIM 139300.

Allele frequency attached by ClinVar (database versions not stated): gnomAD 0.00001; gnomAD exomes 0.00001; ESP Exome Variant Server 0.00008; ExAC 0.00002; TOPMed 0.00002.
gnomAD v4.1: 24 of 1,601,474 alleles (0.0015%); highest among the groups gnomAD compares: Middle Eastern, 0.017%; no homozygotes.

Submissions (5):

Labcorp Genetics (formerly Invitae), Labcorp
Classification: Uncertain significance. Last evaluated: 2025-12-02. Review status: criteria provided, single submitter. Criteria: Invitae Variant Classification Sherloc (09022015). Collection method: clinical testing. Allele origin: germline.
Comment: This sequence change replaces asparagine, which is neutral and polar, with serine, which is neutral and polar, at codon 411 of the CYP19A1 protein (p.Asn411Ser). This variant is present in population databases (rs375990501, gnomAD 0.002%). This missense change has been observed in individual(s) with aromatase deficiency (PMID: 21521281). ClinVar contains an entry for this variant (Variation ID: 2503834). Invitae Evidence Modeling of protein sequence and biophysical properties (such as structural, functional, and spatial information, amino acid conservation, physicochemical variation, residue mobility, and thermodynamic stability) indicates that this missense variant is not expected to disrupt CYP19A1 protein function with a negative predictive value of 80%. Experimental studies have shown that this missense change affects CYP19A1 function (PMID: 21521281). In summary, the available evidence is currently insufficient to determine the role of this variant in disease. Therefore, it has been classified as a Variant of Uncertain Significance.

Revvity Omics, Revvity
Classification: Likely pathogenic. Last evaluated: 2025-03-17. Review status: criteria provided, single submitter. Criteria: ACMG Guidelines, 2015. Collection method: clinical testing. Allele origin: germline.

Blueprint Genetics
Classification: Uncertain significance. Last evaluated: 2024-10-01. Review status: criteria provided, single submitter. Criteria: ACMG Guidelines, 2015. Collection method: clinical testing. Allele origin: germline.

Fulgent Genetics
Classification: Likely pathogenic for Aromatase excess syndrome; Aromatase deficiency. Last evaluated: 2024-03-06. Review status: criteria provided, single submitter. Criteria: ACMG Guidelines, 2015. Collection method: clinical testing. Allele origin: germline.

Women's Health and Genetics/Laboratory Corporation of America, LabCorp
Classification: Pathogenic for Aromatase deficiency. Last evaluated: 2023-04-27. Review status: criteria provided, single submitter. Criteria: LabCorp Variant Classification Summary - May 2015. Collection method: clinical testing. Allele origin: germline.
Comment: Variant summary: CYP19A1 c.1232A>G (p.Asn411Ser) results in a conservative amino acid change in the encoded protein sequence. Three of five in-silico tools predict a benign effect of the variant on protein function. The variant allele was found at a frequency of 8e-06 in 251288 control chromosomes (gnomAD). c.1232A>G has been reported in the literature in the compound heterozygous state as a de novo occurrence in an individual affected with Aromatase deficiency (Hauri-Hohl_2011). Furthermore, experimental evidence evaluating the impact of the variant on protein function found that the variant protein had undetectable catalytic activity (Hauri-Hohl_2011). The following publication has been ascertained in the context of this evaluation (PMID: 21521281). No clinical diagnostic laboratories have submitted clinical-significance assessments for this variant to ClinVar after 2014. Based on the evidence outlined above, the variant was classified as pathogenic.

Literature cited by the submitters: PubMed 21521281 (cited by Labcorp Genetics (formerly Invitae), Labcorp and Women's Health and Genetics/Laboratory Corporation of America, LabCorp).